The following is an entry in ClinVar:

NM_017763.6(RNF43):c.1482T>G (p.Ser494Arg)

Gene: RNF43 (ring finger protein 43; minus strand). Cytogenetic location: 17q22.
Variant type: single nucleotide variant.
Coding change: c.1482T>G on transcript NM_017763.6 (MANE Select); coding-DNA position 1482, T replaced by G.
Protein change: p.Ser494Arg; replaces serine 494 with arginine.
Molecular consequence: missense variant.
Genome position (GRCh38, 1-based): chr17:58,358,294, A>C on the plus strand (T>G on the coding strand, the complement: RNF43 is on the minus strand). VCF-style: chr17-58358294-A-C. GRCh37 (hg19) VCF-style: chr17-56435655-A-C.
Other names: c.1482T>G, p.Ser494Arg (NM_001305544.3); c.1101T>G, p.Ser367Arg (NM_001305545.2); short protein forms S367R, S494R.
Identifiers: ClinVar variation 3946844 (VCV003946844.1).

ClinVar aggregate classification (germline): Uncertain significance (1 of 4 stars; one submission).

Submission:

Ambry Genetics
Classification: Uncertain significance. Last evaluated: 2025-04-04. Review status: criteria provided, single submitter. Criteria: Ambry Variant Classification Scheme 2023. Collection method: clinical testing. Allele origin: germline.
Comment: The p.S494R variant (also known as c.1482T>G), located in coding exon 8 of the RNF43 gene, results from a T to G substitution at nucleotide position 1482. The serine at codon 494 is replaced by arginine, an amino acid with dissimilar properties. This amino acid position is conserved. In addition, this alteration is predicted to be tolerated by in silico analysis. Based on the available evidence, the clinical significance of this variant remains unclear.